The following is an entry in ClinVar:

NM_145207.3(AFG2A):c.2348T>G (p.Met783Arg)

Gene: AFG2A (AAA ATPase AFG2A; plus strand). Cytogenetic location: 4q28.1.
Variant type: single nucleotide variant.
Coding change: c.2348T>G on transcript NM_145207.3 (MANE Select); coding-DNA position 2348, T replaced by G.
Protein change: p.Met783Arg; replaces methionine 783 with arginine.
Molecular consequence: missense variant.
Genome position (GRCh38, 1-based): chr4:123,256,023, T>G. VCF-style: chr4-123256023-T-G. GRCh37 (hg19) VCF-style: chr4-124177178-T-G.
Other names: c.2345T>G, p.Met782Arg (NM_001345856.2); short protein forms M782R, M783R.
Identifiers: ClinVar variation 1020767 (VCV001020767.4), dbSNP rs1741463047, ClinGen allele CA358230519.

ClinVar aggregate classification (germline): Uncertain significance (1 of 4 stars; one submission).

Conditions:
Microcephaly-intellectual disability-sensorineural hearing loss-epilepsy-abnormal muscle tone syndrome (NEDHSB). Also called: NEURODEVELOPMENTAL DISORDER WITH HEARING LOSS, SEIZURES, AND BRAIN ABNORMALITIES. Identifiers: Orphanet 457351, MedGen C4225276, MONDO:0014698, OMIM 616577.

Allele frequency attached by ClinVar (database versions not stated): TOPMed below 0.00001.
gnomAD v4.1: 2 of 1,614,072 alleles (0.00012%); highest among the groups gnomAD compares: Non-Finnish European, 0.00017%; no homozygotes.

Submission:

Labcorp Genetics (formerly Invitae), Labcorp
Classification: Uncertain significance for Microcephaly-intellectual disability-sensorineural hearing loss-epilepsy-abnormal muscle tone syndrome. Last evaluated: 2022-07-24. Review status: criteria provided, single submitter. Criteria: Invitae Variant Classification Sherloc (09022015). Collection method: clinical testing. Allele origin: germline.
Comment: This sequence change replaces methionine, which is neutral and non-polar, with arginine, which is basic and polar, at codon 783 of the SPATA5 protein (p.Met783Arg). This variant is not present in population databases (gnomAD no frequency). This variant has not been reported in the literature in individuals affected with SPATA5-related conditions. ClinVar contains an entry for this variant (Variation ID: 1020767). Advanced modeling of protein sequence and biophysical properties (such as structural, functional, and spatial information, amino acid conservation, physicochemical variation, residue mobility, and thermodynamic stability) performed at Invitae indicates that this missense variant is expected to disrupt SPATA5 protein function. In summary, the available evidence is currently insufficient to determine the role of this variant in disease. Therefore, it has been classified as a Variant of Uncertain Significance.